The following is an entry in ClinVar:

NM_014918.5(CHSY1):c.1386A>C (p.Lys462Asn)

Gene: CHSY1 (chondroitin sulfate synthase 1; minus strand). Cytogenetic location: 15q26.3.
Variant type: single nucleotide variant.
Coding change: c.1386A>C on transcript NM_014918.5 (MANE Select); coding-DNA position 1386, A replaced by C.
Protein change: p.Lys462Asn; replaces lysine 462 with asparagine.
Molecular consequence: missense variant.
Genome position (GRCh38, 1-based): chr15:101,178,411, T>G on the plus strand (A>C on the coding strand, the complement: CHSY1 is on the minus strand). VCF-style: chr15-101178411-T-G. GRCh37 (hg19) VCF-style: chr15-101718616-T-G.
Other names: short protein forms K462N.
Identifiers: ClinVar variation 3032905 (VCV003032905.2), dbSNP rs2505672460, ClinGen allele CA393960886.

ClinVar aggregate classification (germline): Uncertain significance (0 of 4 stars; one submission).

Conditions:
CHSY1-related disorder. Also called: CHSY1-related condition.

gnomAD v4.1: 1 of 1,613,164 alleles (0.000062%); highest among the groups gnomAD compares: Non-Finnish European, 0.000085%; no homozygotes.

Submission:

PreventionGenetics, part of Exact Sciences
Classification: Uncertain significance for CHSY1-related condition. Last evaluated: 2023-11-15. Review status: no assertion criteria provided. Collection method: clinical testing. Allele origin: germline.
Comment: The CHSY1 c.1386A>C variant is predicted to result in the amino acid substitution p.Lys462Asn. To our knowledge, this variant has not been reported in the literature or in a large population database, indicating this variant is rare. At this time, the clinical significance of this variant is uncertain due to the absence of conclusive functional and genetic evidence.